The following is an entry in ClinVar:

ClinVar aggregate classification (germline): Uncertain significance. Review status: criteria provided, multiple submitters, no conflicts (2 of 4 stars). 2 submissions from 2 submitters: Uncertain significance (2). Last evaluated 2025-10-02.

Conditions:
Intellectual developmental disorder, autosomal dominant 1. Also called: MBD5 Haploinsufficiency; Intellectual disability, autosomal dominant 1. Identifiers: Orphanet 228402, MedGen C1969562, MONDO:0007974, OMIM 156200.

Allele frequency attached by ClinVar (database versions not stated): gnomAD exomes below 0.00001; ExAC 0.00001; TOPMed 0.00001; gnomAD 0.00001.
gnomAD v4.1: 3 of 1,614,038 alleles (0.00019%); highest among the groups gnomAD compares: African/African-American, 0.004%; no homozygotes.

Submissions (2):

Labcorp Genetics (formerly Invitae), Labcorp
Classification: Uncertain significance for Intellectual developmental disorder, autosomal dominant 1. Last evaluated: 2025-10-02. Review status: criteria provided, single submitter. Criteria: Invitae Variant Classification Sherloc (09022015). Collection method: clinical testing. Allele origin: germline.
Comment: This sequence change replaces lysine, which is basic and polar, with asparagine, which is neutral and polar, at codon 1195 of the MBD5 protein (p.Lys1195Asn). This variant is present in population databases (rs749348330, gnomAD 0.007%). This variant has not been reported in the literature in individuals affected with MBD5-related conditions. ClinVar contains an entry for this variant (Variation ID: 1215179). Experimental studies and prediction algorithms are not available or were not evaluated, and the functional significance of this variant is currently unknown. In summary, the available evidence is currently insufficient to determine the role of this variant in disease. Therefore, it has been classified as a Variant of Uncertain Significance.

GeneDx
Classification: Uncertain significance. Last evaluated: 2019-10-16. Review status: criteria provided, single submitter. Criteria: GeneDx Variant Classification Process June 2021. Collection method: clinical testing. Allele origin: germline. Affected: yes.
Comment: Not observed at a significant frequency in large population cohorts (Lek et al., 2016); In silico analysis, which includes protein predictors and evolutionary conservation, supports that this variant does not alter protein structure/function; Has not been previously published as pathogenic or benign to our knowledge

NM_001378120.1(MBD5):c.4284A>T (p.Lys1428Asn)

Gene: MBD5 (methyl-CpG binding domain protein 5; plus strand). Cytogenetic location: 2q23.1.
Variant type: single nucleotide variant.
Coding change: c.4284A>T on transcript NM_001378120.1 (MANE Select); coding-DNA position 4284, A replaced by T.
Protein change: p.Lys1428Asn; replaces lysine 1428 with asparagine.
Molecular consequence: missense variant.
Genome position (GRCh38, 1-based): chr2:148,489,916, A>T. VCF-style: chr2-148489916-A-T. GRCh37 (hg19) VCF-style: chr2-149247485-A-T.
Other names: c.3585A>T, p.Lys1195Asn (NM_018328.5); short protein forms K1195N, K1428N.
Identifiers: ClinVar variation 1215179 (VCV001215179.6), dbSNP rs749348330, ClinGen allele CA1900406.
Genomic context (GRCh38, chr2:148,489,916, plus strand): 5'-TGTGAACGAAGGAGATGGGTTTGAATATTTCAAGTCAGCAAGTTGCCACACATCCAAAAA[A>T]CAGTGGGACGGGGAGCAAAGCCCCAGAGGGGAGCGAAACAGGTGGAAGTACGAGGAATTT-3'
Protein context (NP_001365049.1, residues 1418-1438): FKSASCHTSK[Lys1428Asn]QWDGEQSPRG